The following is an entry in ClinVar:

ClinVar aggregate classification (germline): Likely pathogenic (1 of 4 stars; one submission).

Conditions:
Usher syndrome type 1B (USH1B). Also called: Usher syndrome type IB. Identifiers: MedGen C1848638, MONDO:0700087.

Submission:

Natera, Inc.
Classification: Likely pathogenic for Usher syndrome type 1B. Last evaluated: 2025-01-28. Review status: criteria provided, single submitter. Criteria: Natera Variant Classification Schema (03/2026). Collection method: clinical testing. Allele origin: germline.
Comment: The c.2187+1G>C variant in MYO7A is a canonical splice donor site variant predicted to affect pre-mRNA splicing, which may result in an abnormal transcript and altered protein product. This variant is expected to result in nonsense mediated decay, truncation, or a dysfunctional protein product. This variant is rare in the general population with a frequency below the threshold expected for the associated phenotype(s). Another variant at this same site results in an alteration predicted to cause a similar molecular effect has been observed in individual(s) with the associated phenotype. Given the available evidence, this variant is classified as Likely Pathogenic.

NM_000260.4(MYO7A):c.2187+1G>C

Gene: MYO7A (myosin VIIA; plus strand). Cytogenetic location: 11q13.5.
Variant type: single nucleotide variant.
Coding change: c.2187+1G>C on transcript NM_000260.4 (MANE Select); the canonical splice donor site of the intron after coding-DNA position 2187, G replaced by C.
Molecular consequence: splice donor variant.
Genome position (GRCh38, 1-based): chr11:77,175,465, G>C. VCF-style: chr11-77175465-G-C. GRCh37 (hg19) VCF-style: chr11-76886511-G-C.
Other names: c.2154+1G>C (NM_001369365.1); c.2187+1G>C (NM_001127180.2).
Identifiers: ClinVar variation 4058222 (VCV004058222.2).